The following is an entry in ClinVar:

ClinVar aggregate classification (germline): Uncertain significance. Review status: criteria provided, multiple submitters, no conflicts (2 of 4 stars). 2 submissions from 2 submitters: Uncertain significance (2). Last evaluated 2025-12-30.

Conditions:
Cardiovascular phenotype. Identifiers: MedGen CN230736.

Allele frequency attached by ClinVar (database versions not stated): gnomAD exomes below 0.00001 and 0.00001; gnomAD 0.00001; TOPMed 0.00001.
gnomAD v4.1: 9 of 1,597,798 alleles (0.00056%); highest among the groups gnomAD compares: East Asian, 0.0045%; no homozygotes.

Submissions (2):

Labcorp Genetics (formerly Invitae), Labcorp
Classification: Uncertain significance. Last evaluated: 2025-12-30. Review status: criteria provided, single submitter. Criteria: Invitae Variant Classification Sherloc (09022015). Collection method: clinical testing. Allele origin: germline.
Comment: This sequence change affects a donor splice site in intron 6 of the LOX gene. While this variant is not anticipated to result in nonsense mediated decay, it likely alters RNA splicing and results in a disrupted protein product. This variant is present in population databases (no rsID available, gnomAD 0.006%). This variant has not been reported in the literature in individuals affected with LOX-related conditions. ClinVar contains an entry for this variant (Variation ID: 1512706). Variants that disrupt the consensus splice site are a relatively common cause of aberrant splicing (PMID: 17576681, 9536098). Algorithms developed to predict the effect of sequence changes on RNA splicing suggest that this variant may disrupt the consensus splice site. In summary, the available evidence is currently insufficient to determine the role of this variant in disease. Therefore, it has been classified as a Variant of Uncertain Significance.

Ambry Genetics
Classification: Uncertain significance for Cardiovascular phenotype. Last evaluated: 2025-10-27. Review status: criteria provided, single submitter. Criteria: Ambry Variant Classification Scheme 2023. Collection method: clinical testing. Allele origin: germline.
Comment: The c.1247+1G>A intronic variant results from a G to A substitution one nucleotide after coding exon 6 of the LOX gene. This alteration occurs at the 3' terminus of the gene, is not expected to trigger nonsense-mediated mRNA decay, and only impacts the last 9.3% of the protein. The exact functional effect of this alteration is unknown. This nucleotide position is highly conserved in available vertebrate species. In silico splice site analysis predicts that this alteration will weaken the native splice donor site. Based on the available evidence, the clinical significance of this variant remains unclear.

Literature cited by the submitters: PubMed 17576681 (cited by Labcorp Genetics (formerly Invitae), Labcorp); PubMed 9536098 (cited by Labcorp Genetics (formerly Invitae), Labcorp).

NM_002317.7(LOX):c.1247+1G>A

Genes: LOX (lysyl oxidase; minus strand), SRFBP1 (serum response factor binding protein 1; plus strand). Cytogenetic location: 5q23.1.
Variant type: single nucleotide variant.
Coding change: c.1247+1G>A on transcript NM_002317.7 (MANE Select); the canonical splice donor site of the intron after coding-DNA position 1247, G replaced by A.
Molecular consequence: splice donor variant.
Genome position (GRCh38, 1-based): chr5:122,070,052, C>T on the plus strand (G>A on the coding strand, the complement: LOX is on the minus strand). VCF-style: chr5-122070052-C-T. GRCh37 (hg19) VCF-style: chr5-121405747-C-T.
Other names: c.1247+1G>A (NM_002317.5); c.557+1G>A (NM_001178102.2); c.356+1G>A (NM_001317073.1).
Identifiers: ClinVar variation 1512706 (VCV001512706.7), dbSNP rs1233555524, ClinGen allele CA360880067.